The following is an entry in ClinVar:

NM_152268.4(PARS2):c.739G>T (p.Asp247Tyr)

Gene: PARS2 (prolyl-tRNA synthetase 2, mitochondrial; minus strand). Cytogenetic location: 1p32.3.
Variant type: single nucleotide variant.
Coding change: c.739G>T on transcript NM_152268.4 (MANE Select); coding-DNA position 739, G replaced by T.
Protein change: p.Asp247Tyr; replaces aspartic acid 247 with tyrosine.
Molecular consequence: missense variant.
Genome position (GRCh38, 1-based): chr1:54,758,423, C>A on the plus strand (G>T on the coding strand, the complement: PARS2 is on the minus strand). VCF-style: chr1-54758423-C-A. GRCh37 (hg19) VCF-style: chr1-55224096-C-A.
Other names: short protein forms D247Y.
Identifiers: ClinVar variation 1964905 (VCV001964905.5), dbSNP rs760609265, ClinGen allele CA340462421.
Genomic context (GRCh38, chr1:54,758,423, plus strand): 5'-CTCCAATATCCACTGGGAGCTGGAACTCATGAGACACTGTGCCCCCGATGGTGCCCACAT[C>A]GGCCTGGACCTTGACAAATGGCAGCCCTAGCTTGTTGAACAGGCTGCAGTAGGCATCACA-3'
Protein context (NP_689481.2, residues 237-257): LGLPFVKVQA[Asp247Tyr]VGTIGGTVSH

ClinVar aggregate classification (germline): Uncertain significance (1 of 4 stars; one submission).

gnomAD v4.1: 1 of 1,614,192 alleles (0.000062%); highest among the groups gnomAD compares: Non-Finnish European, 0.000085%; no homozygotes.

Submission:

Labcorp Genetics (formerly Invitae), Labcorp
Classification: Uncertain significance. Last evaluated: 2022-07-18. Review status: criteria provided, single submitter. Criteria: Invitae Variant Classification Sherloc (09022015). Collection method: clinical testing. Allele origin: germline.
Comment: This sequence change replaces aspartic acid, which is acidic and polar, with tyrosine, which is neutral and polar, at codon 247 of the PARS2 protein (p.Asp247Tyr). This variant is not present in population databases (gnomAD no frequency). This variant has not been reported in the literature in individuals affected with PARS2-related conditions. Algorithms developed to predict the effect of missense changes on protein structure and function are either unavailable or do not agree on the potential impact of this missense change (SIFT: "Deleterious"; PolyPhen-2: "Probably Damaging"; Align-GVGD: "Class C15"). In summary, the available evidence is currently insufficient to determine the role of this variant in disease. Therefore, it has been classified as a Variant of Uncertain Significance.